The following is an entry in ClinVar:

ClinVar aggregate classification (germline): Uncertain significance (1 of 4 stars; one submission).

Conditions:
TTN-related disorder. Also called: TTN-related disorders; TTN-related condition; TTN-related disease.

gnomAD v4.1: 3 of 1,613,080 alleles (0.00019%); highest among the groups gnomAD compares: Admixed American, 0.0017%; no homozygotes.

Submission:

PreventionGenetics, part of Exact Sciences
Classification: Uncertain significance for TTN-related condition. Last evaluated: 2026-04-29. Review status: criteria provided, single submitter. Criteria: ACMG Guidelines, 2015. Collection method: clinical testing. Allele origin: germline.
Comment: The TTN c.29486A>G variant is predicted to result in the amino acid substitution p.Asn9829Ser. To our knowledge, this variant has not been reported in the literature. This variant is reported in 0.0029% of alleles in individuals of Latino descent in gnomAD. At this time, the clinical significance of this variant is uncertain due to the absence of conclusive functional and genetic evidence.

NM_001267550.2(TTN):c.29486A>G (p.Asn9829Ser)

Gene: TTN (titin; minus strand). Cytogenetic location: 2q31.2.
Variant type: single nucleotide variant.
Coding change: c.29486A>G on transcript NM_001267550.2 (MANE Select); coding-DNA position 29486, A replaced by G.
Protein change: p.Asn9829Ser; replaces asparagine 9829 with serine.
Molecular consequence: missense variant. On other transcripts: intron variant (3).
Genome position (GRCh38, 1-based): chr2:178,705,292, T>C on the plus strand (A>G on the coding strand, the complement: TTN is on the minus strand). VCF-style: chr2-178705292-T-C. GRCh37 (hg19) VCF-style: chr2-179570019-T-C.
Other names: c.28535A>G, p.Asn9512Ser (NM_001256850.1); c.25754A>G, p.Asn8585Ser (NM_133378.4); c.13282+32790A>G (NM_003319.4); c.13858+32790A>G (NM_133437.4); c.13657+32790A>G (NM_133432.3); short protein forms N9829S, N9512S, N8585S.
Identifiers: ClinVar variation 4986854 (VCV004986854.1).
Genomic context (GRCh38, chr2:178,705,292, plus strand): 5'-CCTCGGAAGTCAGTGATTCCATACATGCGGGCATATTTTTCATATTCTTTAGGATCAACA[T>C]TTTTGAGAAGTTCCATGATATCAATTTCCTCTTCTTCTCCAGCTCCTTTCTTTAAGATTG-3'
Protein context (NP_001254479.2, residues 9819-9839): EEIDIMELLK[Asn9829Ser]VDPKEYEKYA